The following is an entry in ClinVar:

ClinVar aggregate classification (germline): Uncertain significance (1 of 4 stars; one submission).

Conditions:
Cardiovascular phenotype. Identifiers: MedGen CN230736.

Allele frequency attached by ClinVar (database versions not stated): ExAC 0.00021; gnomAD exomes 0.00005.
gnomAD v4.1: 43 of 1,613,512 alleles (0.0027%); highest among the groups gnomAD compares: Non-Finnish European, 0.0013%; no homozygotes.

Submission:

Ambry Genetics
Classification: Uncertain significance for Cardiovascular phenotype. Last evaluated: 2025-11-10. Review status: criteria provided, single submitter. Criteria: Ambry Variant Classification Scheme 2023. Collection method: clinical testing. Allele origin: germline.
Comment: The p.V2141A variant (also known as c.6422T>C), located in coding exon 17 of the TNXB gene, results from a T to C substitution at nucleotide position 6422. The valine at codon 2141 is replaced by alanine, an amino acid with similar properties. This amino acid position is conserved. In addition, this alteration is predicted to be tolerated by in silico analysis. Based on the available evidence, the clinical significance of this variant remains unclear.

NM_001365276.2(TNXB):c.6422T>C (p.Val2141Ala)

Gene: TNXB (tenascin XB; minus strand). Cytogenetic location: 6p21.33.
Variant type: single nucleotide variant.
Coding change: c.6422T>C on transcript NM_001365276.2 (MANE Select); coding-DNA position 6422, T replaced by C.
Protein change: p.Val2141Ala; replaces valine 2141 with alanine.
Molecular consequence: missense variant.
Genome position (GRCh38, 1-based): chr6:32,067,783, A>G on the plus strand (T>C on the coding strand, the complement: TNXB is on the minus strand). VCF-style: chr6-32067783-A-G. GRCh37 (hg19) VCF-style: chr6-32035560-A-G.
Other names: c.6422T>C, p.Val2141Ala (NM_019105.8); short protein forms V2141A.
Identifiers: ClinVar variation 2340432 (VCV002340432.3), dbSNP rs747005604, ClinGen allele CA3734441.
Genomic context (GRCh38, chr6:32,067,783, plus strand): 5'-ATCTTGTACTTGCGCCCAGGCTCCAGGCCCCCCACGGTGACTTCACTCTCCTCGCCCCCA[A>G]CACGCACCACCTGGGGCCGCCCGTCCCTGTCCTTGTACTGCACGGTGAAGGAGTCGAAGC-3'
Protein context (NP_001352205.1, residues 2131-2151): DRDGRPQVVR[Val2141Ala]GGEESEVTVG